The following is an entry in ClinVar:

NM_032043.3(BRIP1):c.*616A>G

Gene: BRIP1 (BRCA1 interacting DNA helicase 1; minus strand). Cytogenetic location: 17q23.2.
Variant type: single nucleotide variant.
Coding change: c.*616A>G on transcript NM_032043.3 (MANE Select); 616 bases downstream of the stop codon, A replaced by G.
Molecular consequence: 3 prime UTR variant.
Genome position (GRCh38, 1-based): chr17:61,682,680, T>C on the plus strand (A>G on the coding strand, the complement: BRIP1 is on the minus strand). VCF-style: chr17-61682680-T-C. GRCh37 (hg19) VCF-style: chr17-59760041-T-C.
Identifiers: ClinVar variation 324334 (VCV000324334.5), dbSNP rs116292412, ClinGen allele CA10640124.

ClinVar aggregate classification (germline): Benign (1 of 4 stars; one submission).

Conditions:
Fanconi anemia complementation group J. Also called: BRIP1-Related Fanconi Anemia. Identifiers: Orphanet 84, MedGen C1836860, MONDO:0012187, OMIM 609054.

Allele frequency attached by ClinVar (database versions not stated): gnomAD exomes 0.00089; 1000 Genomes Project 30x 0.00656; 1000 Genomes Project 0.00659; gnomAD 0.00531 and 0.00570; TOPMed 0.00573.
gnomAD v4.1: 841 of 196,176 alleles (0.43%); highest among the groups gnomAD compares: African/African-American, 1.8%; 9 homozygotes.

Submission:

Illumina Laboratory Services, Illumina
Classification: Benign for Fanconi anemia complementation group J. Last evaluated: 2018-01-13. Review status: criteria provided, single submitter. Criteria: ICSL Variant Classification Criteria 13 December 2019. Collection method: clinical testing. Allele origin: germline.
Comment: This variant was observed in the ICSL laboratory as part of a predisposition screen in an ostensibly healthy population. It had not been previously curated by ICSL or reported in the Human Gene Mutation Database (HGMD: prior to June 1st, 2018), and was therefore a candidate for classification through an automated scoring system. Utilizing variant allele frequency, disease prevalence and penetrance estimates, and inheritance mode, an automated score was calculated to assess if this variant is too frequent to cause the disease. Based on the score and internal cut-off values, a variant classified as benign is not then subjected to further curation. The score for this variant resulted in a classification of benign for this disease.